The following is an entry in ClinVar:

ClinVar aggregate classification (germline): Uncertain significance (1 of 4 stars; one submission).

Conditions:
Emery-Dreifuss muscular dystrophy 4, autosomal dominant (EDMD4). Also called: EMERY-DREIFUSS MUSCULAR DYSTROPHY 4 WITH VARIABLE FEATURES. Identifiers: Orphanet 261, MedGen C2751807, MONDO:0013071, OMIM 612998.
Autosomal recessive ataxia, Beauce type. Also called: SYNE1-Related Autosomal Recessive Cerebellar Ataxia; Spinocerebellar ataxia, autosomal recessive 8; ATAXIA, RECESSIVE, OF BEAUCE; SYNE1 Deficiency. Identifiers: Orphanet 88644, MedGen C1853116, MONDO:0012549, OMIM 610743.

Submission:

Labcorp Genetics (formerly Invitae), Labcorp
Classification: Uncertain significance for Emery-Dreifuss muscular dystrophy 4, autosomal dominant; Autosomal recessive ataxia, Beauce type. Last evaluated: 2022-02-24. Review status: criteria provided, single submitter. Criteria: Invitae Variant Classification Sherloc (09022015). Collection method: clinical testing. Allele origin: germline.
Comment: In summary, the available evidence is currently insufficient to determine the role of this variant in disease. Therefore, it has been classified as a Variant of Uncertain Significance. Algorithms developed to predict the effect of missense changes on protein structure and function are either unavailable or do not agree on the potential impact of this missense change (SIFT: "Deleterious"; PolyPhen-2: "Possibly Damaging"; Align-GVGD: "Class C0"). This variant has not been reported in the literature in individuals affected with SYNE1-related conditions. This variant is not present in population databases (gnomAD no frequency). This sequence change replaces lysine, which is basic and polar, with asparagine, which is neutral and polar, at codon 4458 of the SYNE1 protein (p.Lys4458Asn).

NM_182961.4(SYNE1):c.13587G>C (p.Lys4529Asn)

Gene: SYNE1 (spectrin repeat containing nuclear envelope protein 1; minus strand). Cytogenetic location: 6q25.2.
Variant type: single nucleotide variant.
Coding change: c.13587G>C on transcript NM_182961.4 (MANE Select); coding-DNA position 13587, G replaced by C.
Protein change: p.Lys4529Asn; replaces lysine 4529 with asparagine.
Molecular consequence: missense variant.
Genome position (GRCh38, 1-based): chr6:152,331,098, C>G on the plus strand (G>C on the coding strand, the complement: SYNE1 is on the minus strand). VCF-style: chr6-152331098-C-G. GRCh37 (hg19) VCF-style: chr6-152652233-C-G.
Other names: c.13374G>C, p.Lys4458Asn (NM_033071.5); short protein forms K4529N, K4458N.
Identifiers: ClinVar variation 1371428 (VCV001371428.8), dbSNP rs1265607198, ClinGen allele CA366101056.